The following is an entry in ClinVar:

ClinVar aggregate classification (germline): Likely benign (1 of 4 stars; one submission).

Submission:

CeGaT Center for Human Genetics Tuebingen
Classification: Likely benign. Last evaluated: 2023-06-01. Review status: criteria provided, single submitter. Criteria: CeGaT Center For Human Genetics Tuebingen Variant Classification Criteria Version 2. Collection method: clinical testing. Allele origin: germline. Affected: yes. Observed: 1 variant allele.
Comment: COL4A3: PM2:Supporting, BP4, BP7

NM_000091.5(COL4A3):c.1803T>A (p.Pro601=)

Genes: COL4A3 (collagen type IV alpha 3 chain; plus strand), MFF-DT (MFF divergent transcript; minus strand). Cytogenetic location: 2q36.3.
Variant type: single nucleotide variant.
Coding change: c.1803T>A on transcript NM_000091.5 (MANE Select); coding-DNA position 1803, T replaced by A.
Protein change: p.Pro601=; no amino-acid change (proline 601 retained).
Molecular consequence: synonymous variant.
Genome position (GRCh38, 1-based): chr2:227,272,993, T>A. VCF-style: chr2-227272993-T-A. GRCh37 (hg19) VCF-style: chr2-228137709-T-A.
Identifiers: ClinVar variation 2571125 (VCV002571125.27), dbSNP rs2071333061, ClinGen allele CA431500698.